The following is an entry in ClinVar:

ClinVar aggregate classification (germline): Conflicting classifications of pathogenicity. Review status: criteria provided, conflicting classifications (1 of 4 stars). 3 submissions from 3 submitters: Likely pathogenic (2); Uncertain significance (1). Last evaluated 2025-03-10.

Conditions:
Hereditary cancer-predisposing syndrome. Also called: Tumor predisposition; Hereditary neoplastic syndrome; Neoplastic Syndromes, Hereditary; Hereditary Cancer Syndrome. Identifiers: Orphanet 140162, MedGen C0027672, MeSH D009386, MONDO:0015356.
Rhabdoid tumor predisposition syndrome 2 (RTPS2). Identifiers: Orphanet 231108, Orphanet 69077, MedGen C2750074, MONDO:0013224, OMIM 613325.

Submissions (3):

Labcorp Genetics (formerly Invitae), Labcorp
Classification: Likely pathogenic for Rhabdoid tumor predisposition syndrome 2. Last evaluated: 2025-03-10. Review status: criteria provided, single submitter. Criteria: Invitae Variant Classification Sherloc (09022015). Collection method: clinical testing. Allele origin: germline.
Comment: This sequence change affects an acceptor splice site in intron 10 of the SMARCA4 gene. It is expected to disrupt RNA splicing. Variants that disrupt the donor or acceptor splice site typically lead to a loss of protein function (PMID: 16199547), and loss-of-function variants in SMARCA4 are known to be pathogenic (PMID: 24658001, 24658002). This variant is not present in population databases (gnomAD no frequency). This variant has not been reported in the literature in individuals affected with SMARCA4-related conditions. ClinVar contains an entry for this variant (Variation ID: 1012922). Algorithms developed to predict the effect of sequence changes on RNA splicing suggest that this variant may disrupt the consensus splice site. In summary, the currently available evidence indicates that the variant is pathogenic, but additional data are needed to prove that conclusively. Therefore, this variant has been classified as Likely Pathogenic.

Ambry Genetics
Classification: Uncertain significance for Hereditary cancer-predisposing syndrome. Last evaluated: 2022-03-21. Review status: criteria provided, single submitter. Criteria: Ambry Variant Classification Scheme 2023. Collection method: clinical testing. Allele origin: germline.
Comment: The c.1762-2A>G intronic variant results from an A to G substitution two nucleotides upstream from coding exon 10 in the SMARCA4 gene. This variant is considered to be rare based on population cohorts in the Genome Aggregation Database (gnomAD). This nucleotide position is highly conserved in available vertebrate species. In silico splice site analysis predicts that this alteration will weaken the native splice acceptor site and will result in the creation or strengthening of a novel splice acceptor site. RNA studies have demonstrated that this alteration results in a transcript predicted to lead to a protein with an in-frame deletion of one amino acid; however, the exact functional impact of the deleted amino acid is unknown at this time (Ambry internal data). Since supporting evidence is limited at this time, the clinical significance of this alteration remains unclear.

CeGaT Center for Human Genetics Tuebingen
Classification: Likely pathogenic. Last evaluated: 2020-07-01. Review status: criteria provided, single submitter. Criteria: CeGaT Center For Human Genetics Tuebingen Variant Classification Criteria Version 2. Collection method: clinical testing. Allele origin: germline. Affected: yes. Observed: 1 variant allele.

Literature cited by the submitters: PubMed 16199547 (cited by Labcorp Genetics (formerly Invitae), Labcorp); PubMed 24658001 (cited by Labcorp Genetics (formerly Invitae), Labcorp); PubMed 24658002 (cited by Labcorp Genetics (formerly Invitae), Labcorp).

NM_003072.5(SMARCA4):c.1762-2A>G

Gene: SMARCA4 (SWI/SNF related BAF chromatin remodeling complex subunit ATPase 4; plus strand). Cytogenetic location: 19p13.2.
Variant type: single nucleotide variant.
Coding change: c.1762-2A>G on transcript NM_003072.5 (MANE Select); the canonical splice acceptor site of the intron before coding-DNA position 1762, A replaced by G.
Molecular consequence: splice acceptor variant.
Genome position (GRCh38, 1-based): chr19:10,996,492, A>G. VCF-style: chr19-10996492-A-G. GRCh37 (hg19) VCF-style: chr19-11107168-A-G.
Other names: c.1762-2A>G (NM_001128844.3, NM_001128849.3, NM_001128847.4 and 6 more transcripts).
Identifiers: ClinVar variation 1012922 (VCV001012922.41), dbSNP rs2087063244, ClinGen allele CA404064697.